The following is an entry in ClinVar:

NM_020911.2(PLXNA4):c.3802G>C (p.Asp1268His)

Gene: PLXNA4 (plexin A4; minus strand). Cytogenetic location: 7q32.3.
Variant type: single nucleotide variant.
Coding change: c.3802G>C on transcript NM_020911.2 (MANE Select); coding-DNA position 3802, G replaced by C.
Protein change: p.Asp1268His; replaces aspartic acid 1268 with histidine.
Molecular consequence: missense variant.
Genome position (GRCh38, 1-based): chr7:132,179,759, C>G on the plus strand (G>C on the coding strand, the complement: PLXNA4 is on the minus strand). VCF-style: chr7-132179759-C-G. GRCh37 (hg19) VCF-style: chr7-131864518-C-G.
Other names: c.3802G>C, p.Asp1268His (NM_001393897.1); short protein forms D1268H.
Identifiers: ClinVar variation 4981104 (VCV004981104.1).

ClinVar aggregate classification (germline): Uncertain significance (1 of 4 stars; one submission).

Conditions:
PLXNA4-related disorder. Also called: PLXNA4-related condition.

gnomAD v4.1: 7 of 1,614,180 alleles (0.00043%); highest among the groups gnomAD compares: Middle Eastern, 0.016%; no homozygotes.

Submission:

PreventionGenetics, part of Exact Sciences
Classification: Uncertain significance for PLXNA4-related condition. Last evaluated: 2026-04-14. Review status: criteria provided, single submitter. Criteria: ACMG Guidelines, 2015. Collection method: clinical testing. Allele origin: germline.
Comment: The PLXNA4 c.3802G>C variant is predicted to result in the amino acid substitution p.Asp1268His. To our knowledge, this variant has not been reported in the literature. This variant is reported in 0.00089% of alleles in individuals of European (Non-Finnish) descent in gnomAD. At this time, the clinical significance of this variant is uncertain due to the absence of conclusive functional and genetic evidence.